The following is an entry in ClinVar:

NM_033026.6(PCLO):c.11941A>T (p.Ile3981Phe)

Gene: PCLO (piccolo presynaptic cytomatrix protein; minus strand). Cytogenetic location: 7q21.11.
Variant type: single nucleotide variant.
Coding change: c.11941A>T on transcript NM_033026.6 (MANE Select); coding-DNA position 11941, A replaced by T.
Protein change: p.Ile3981Phe; replaces isoleucine 3981 with phenylalanine.
Molecular consequence: missense variant.
Genome position (GRCh38, 1-based): chr7:82,916,045, T>A on the plus strand (A>T on the coding strand, the complement: PCLO is on the minus strand). VCF-style: chr7-82916045-T-A. GRCh37 (hg19) VCF-style: chr7-82545361-T-A.
Other names: c.11941A>T, p.Ile3981Phe (NM_014510.3); short protein forms I3981F.
Identifiers: ClinVar variation 1372257 (VCV001372257.5), dbSNP rs765707715, ClinGen allele CA4319479.

ClinVar aggregate classification (germline): Uncertain significance. Review status: criteria provided, multiple submitters, no conflicts (2 of 4 stars). 2 submissions from 2 submitters: Uncertain significance (2). Last evaluated 2024-11-19.

Allele frequency attached by ClinVar (database versions not stated): gnomAD exomes below 0.00001 and 0.00001; TOPMed below 0.00001; ExAC 0.00001.
gnomAD v4.1: 7 of 1,613,148 alleles (0.00043%); highest among the groups gnomAD compares: Admixed American, 0.005%; no homozygotes.

Submissions (2):

Women's Health and Genetics/Laboratory Corporation of America, LabCorp
Classification: Uncertain significance. Last evaluated: 2024-11-19. Review status: criteria provided, single submitter. Criteria: LabCorp Variant Classification Summary - May 2015. Collection method: clinical testing. Allele origin: germline.
Comment: Variant summary: PCLO c.11941A>T (p.Ile3981Phe) results in a non-conservative amino acid change in the encoded protein sequence. Four of five in-silico tools predict a damaging effect of the variant on protein function. The variant allele was found at a frequency of 1.2e-05 in 248414 control chromosomes. The available data on variant occurrences in the general population are insufficient to allow any conclusion about variant significance. To our knowledge, no occurrence of c.11941A>T in individuals affected with Pontocerebellar Hypoplasia Type 3 and no experimental evidence demonstrating its impact on protein function have been reported. ClinVar contains an entry for this variant (Variation ID: 1372257). Based on the evidence outlined above, the variant was classified as uncertain significance.

Labcorp Genetics (formerly Invitae), Labcorp
Classification: Uncertain significance. Last evaluated: 2023-04-03. Review status: criteria provided, single submitter. Criteria: Invitae Variant Classification Sherloc (09022015). Collection method: clinical testing. Allele origin: germline.
Comment: Experimental studies and prediction algorithms are not available or were not evaluated, and the functional significance of this variant is currently unknown. ClinVar contains an entry for this variant (Variation ID: 1372257). This variant has not been reported in the literature in individuals affected with PCLO-related conditions. This variant is present in population databases (rs765707715, gnomAD 0.006%). This sequence change replaces isoleucine, which is neutral and non-polar, with phenylalanine, which is neutral and non-polar, at codon 3981 of the PCLO protein (p.Ile3981Phe). In summary, the available evidence is currently insufficient to determine the role of this variant in disease. Therefore, it has been classified as a Variant of Uncertain Significance.